The following is an entry in ClinVar:

NM_000843.4(GRM6):c.359GCG[4] (p.Gly121_Asp122insGlyGly)

Gene: GRM6 (glutamate metabotropic receptor 6; minus strand). Cytogenetic location: 5q35.3.
Variant type: Microsatellite.
Coding change: c.359GCG[4] on transcript NM_000843.4 (MANE Select); four copies in a row of the 3-base unit GCG starting at c.359; the reference has two copies in a row; two copies, 6 bases duplicated.
Protein change: p.Gly121_Asp122insGlyGly.
Molecular consequence: inframe insertion.
Genome position (GRCh38, 1-based): chr5:178,994,581-178,994,586, CGCCGC duplicated on the plus strand (GCGGCG on the coding strand, the reverse complement: GRM6 is on the minus strand). VCF-style (leftmost placement, unchanged base first): chr5-178994580-T-TCGCCGC. GRCh37 (hg19) VCF-style: chr5-178421581-T-TCGCCGC.
Identifiers: ClinVar variation 2141400 (VCV002141400.1), dbSNP rs1419288852, ClinGen allele CA808240290.

ClinVar aggregate classification (germline): Uncertain significance (1 of 4 stars; one submission).

Submission:

Labcorp Genetics (formerly Invitae), Labcorp
Classification: Uncertain significance. Last evaluated: 2022-03-18. Review status: criteria provided, single submitter. Criteria: Invitae Variant Classification Sherloc (09022015). Collection method: clinical testing. Allele origin: germline.
Comment: This variant, c.359_364dup, results in the insertion of 2 amino acid(s) of the GRM6 protein (p.Gly121_Asp122insGlyGly), but otherwise preserves the integrity of the reading frame. This variant is not present in population databases (gnomAD no frequency). This variant has not been reported in the literature in individuals affected with GRM6-related conditions. Experimental studies and prediction algorithms are not available or were not evaluated, and the functional significance of this variant is currently unknown. In summary, the available evidence is currently insufficient to determine the role of this variant in disease. Therefore, it has been classified as a Variant of Uncertain Significance.